The following is an entry in ClinVar:

ClinVar aggregate classification (germline): Uncertain significance. Review status: criteria provided, multiple submitters, no conflicts (2 of 4 stars). 4 submissions from 4 submitters: Uncertain significance (4). Last evaluated 2026-09-01.

Conditions:
Charcot-Marie-Tooth disease type 2E (CMT2E). Also called: CHARCOT-MARIE-TOOTH NEUROPATHY, TYPE 2E; CHARCOT-MARIE-TOOTH DISEASE, AXONAL, TYPE 2E. Identifiers: Orphanet 99939, MedGen C1843225, MONDO:0011894, OMIM 607684.

Allele frequency attached by ClinVar (database versions not stated): gnomAD 0.00001; TOPMed 0.00003.
gnomAD v4.1: 10 of 1,604,158 alleles (0.00062%); highest among the groups gnomAD compares: Admixed American, 0.013%; no homozygotes.

Submissions (4):

CeGaT Center for Human Genetics Tuebingen
Classification: Uncertain significance. Last evaluated: 2026-09-01. Review status: criteria provided, single submitter. Criteria: CeGaT Center For Human Genetics Tuebingen Variant Classification Criteria Version 2. Collection method: clinical testing. Allele origin: germline. Affected: yes. Observed: 1 variant allele.
Comment: NEFL: PM2

Blueprint Genetics
Classification: Uncertain significance. Last evaluated: 2024-10-03. Review status: criteria provided, single submitter. Criteria: ACMG Guidelines, 2015. Collection method: clinical testing. Allele origin: germline.

Labcorp Genetics (formerly Invitae), Labcorp
Classification: Uncertain significance for Charcot-Marie-Tooth disease type 2E. Last evaluated: 2024-08-07. Review status: criteria provided, single submitter. Criteria: Invitae Variant Classification Sherloc (09022015). Collection method: clinical testing. Allele origin: germline.
Comment: This sequence change replaces arginine, which is basic and polar, with glycine, which is neutral and non-polar, at codon 164 of the NEFL protein (p.Arg164Gly). This variant is present in population databases (rs752771636, gnomAD 0.02%). This variant has not been reported in the literature in individuals affected with NEFL-related conditions. ClinVar contains an entry for this variant (Variation ID: 568583). Advanced modeling of protein sequence and biophysical properties (such as structural, functional, and spatial information, amino acid conservation, physicochemical variation, residue mobility, and thermodynamic stability) performed at Invitae indicates that this missense variant is expected to disrupt NEFL protein function with a positive predictive value of 80%. In summary, the available evidence is currently insufficient to determine the role of this variant in disease. Therefore, it has been classified as a Variant of Uncertain Significance.

Athena Diagnostics
Classification: Uncertain significance. Last evaluated: 2018-09-04. Review status: criteria provided, single submitter. Criteria: Athena Diagnostics Criteria. Collection method: clinical testing. Allele origin: germline.

NM_006158.5(NEFL):c.490C>G (p.Arg164Gly)

Gene: NEFL (neurofilament light chain; minus strand). Cytogenetic location: 8p21.2.
Variant type: single nucleotide variant.
Coding change: c.490C>G on transcript NM_006158.5 (MANE Select); coding-DNA position 490, C replaced by G.
Protein change: p.Arg164Gly; replaces arginine 164 with glycine.
Molecular consequence: missense variant.
Genome position (GRCh38, 1-based): chr8:24,956,026, G>C on the plus strand (C>G on the coding strand, the complement: NEFL is on the minus strand). VCF-style: chr8-24956026-G-C. GRCh37 (hg19) VCF-style: chr8-24813540-G-C.
Other names: short protein forms R164G.
Identifiers: ClinVar variation 568583 (VCV000568583.9), dbSNP rs752771636, ClinGen allele CA4681496.